The following is an entry in ClinVar:

NM_004974.4(KCNA2):c.614A>C (p.Tyr205Ser)

Gene: KCNA2 (potassium voltage-gated channel subfamily A member 2; minus strand). Cytogenetic location: 1p13.3.
Variant type: single nucleotide variant.
Coding change: c.614A>C on transcript NM_004974.4 (MANE Select); coding-DNA position 614, A replaced by C.
Protein change: p.Tyr205Ser; replaces tyrosine 205 with serine.
Molecular consequence: missense variant.
Genome position (GRCh38, 1-based): chr1:110,604,169, T>G on the plus strand (A>C on the coding strand, the complement: KCNA2 is on the minus strand). VCF-style: chr1-110604169-T-G. GRCh37 (hg19) VCF-style: chr1-111146791-T-G.
Other names: c.614A>C, p.Tyr205Ser (NM_001204269.2); short protein forms Y205S.
Identifiers: ClinVar variation 3633592 (VCV003633592.2).
Genomic context (GRCh38, chr1:110,604,169, plus strand): 5'-ACAATGAAGAAAGGGTCTGTGAAGGAAGTGGACTGCTGGTACCCGATGGTGCTGTTGGAA[T>G]AGGTGTGGAAGGTCACCCCACTACCATGCATGTCTTCATTCTCATCCCGGAAGATGGGCA-3'
Protein context (NP_004965.1, residues 195-215): MHGSGVTFHT[Tyr205Ser]SNSTIGYQQS

ClinVar aggregate classification (germline): Uncertain significance (1 of 4 stars; one submission).

Conditions:
Developmental and epileptic encephalopathy, 32 (DEE32). Also called: Epileptic encephalopathy, early infantile, 32. Identifiers: Orphanet 442835, MedGen C4225350, MONDO:0014607, OMIM 616366.

Submission:

Labcorp Genetics (formerly Invitae), Labcorp
Classification: Uncertain significance for Developmental and epileptic encephalopathy, 32. Last evaluated: 2025-02-13. Review status: criteria provided, single submitter. Criteria: Invitae Variant Classification Sherloc (09022015). Collection method: clinical testing. Allele origin: germline.
Comment: This sequence change replaces tyrosine, which is neutral and polar, with serine, which is neutral and polar, at codon 205 of the KCNA2 protein (p.Tyr205Ser). This variant is not present in population databases (gnomAD no frequency). This variant has not been reported in the literature in individuals affected with KCNA2-related conditions. Invitae Evidence Modeling of protein sequence and biophysical properties (such as structural, functional, and spatial information, amino acid conservation, physicochemical variation, residue mobility, and thermodynamic stability) indicates that this missense variant is not expected to disrupt KCNA2 protein function with a negative predictive value of 95%. In summary, the available evidence is currently insufficient to determine the role of this variant in disease. Therefore, it has been classified as a Variant of Uncertain Significance.